The following is an entry in ClinVar:

NM_001365480.1(CCDC88A):c.2950G>C (p.Glu984Gln)

Gene: CCDC88A (coiled-coil domain containing 88A; minus strand). Cytogenetic location: 2p16.1.
Variant type: single nucleotide variant.
Coding change: c.2950G>C on transcript NM_001365480.1 (MANE Select); coding-DNA position 2950, G replaced by C.
Protein change: p.Glu984Gln; replaces glutamic acid 984 with glutamine.
Molecular consequence: missense variant.
Genome position (GRCh38, 1-based): chr2:55,328,341, C>G on the plus strand (G>C on the coding strand, the complement: CCDC88A is on the minus strand). VCF-style: chr2-55328341-C-G. GRCh37 (hg19) VCF-style: chr2-55555477-C-G.
Other names: c.2947G>C, p.Glu983Gln (NM_001135597.2, NM_001254943.2); c.2950G>C, p.Glu984Gln (NM_018084.5); c.2947G>C (NM_001135597.1); short protein forms E984Q, E983Q.
Identifiers: ClinVar variation 1494639 (VCV001494639.6), dbSNP rs144896196, ClinGen allele CA1665887.

ClinVar aggregate classification (germline): Uncertain significance. Review status: criteria provided, multiple submitters, no conflicts (2 of 4 stars). 2 submissions from 2 submitters: Uncertain significance (2). Last evaluated 2025-05-14.

Allele frequency attached by ClinVar (database versions not stated): gnomAD 0.00012 and 0.00013; gnomAD exomes 0.00021 and 0.00029; ExAC 0.00040; ESP Exome Variant Server 0.00054; TOPMed 0.00012.
gnomAD v4.1: 442 of 1,601,558 alleles (0.028%); highest among the groups gnomAD compares: Non-Finnish European, 0.035%; 1 homozygote.

Submissions (2):

Ambry Genetics
Classification: Uncertain significance. Last evaluated: 2025-05-14. Review status: criteria provided, single submitter. Criteria: Ambry Variant Classification Scheme 2023. Collection method: clinical testing. Allele origin: germline.

Labcorp Genetics (formerly Invitae), Labcorp
Classification: Uncertain significance. Last evaluated: 2022-10-13. Review status: criteria provided, single submitter. Criteria: Invitae Variant Classification Sherloc (09022015). Collection method: clinical testing. Allele origin: germline.
Comment: This sequence change replaces glutamic acid, which is acidic and polar, with glutamine, which is neutral and polar, at codon 983 of the CCDC88A protein (p.Glu983Gln). This variant is present in population databases (rs144896196, gnomAD 0.04%). This variant has not been reported in the literature in individuals affected with CCDC88A-related conditions. ClinVar contains an entry for this variant (Variation ID: 1494639). Algorithms developed to predict the effect of missense changes on protein structure and function (SIFT, PolyPhen-2, Align-GVGD) all suggest that this variant is likely to be tolerated. In summary, the available evidence is currently insufficient to determine the role of this variant in disease. Therefore, it has been classified as a Variant of Uncertain Significance.